The following is an entry in ClinVar:

NM_018127.7(ELAC2):c.1245del (p.Met416fs)

Gene: ELAC2 (elaC ribonuclease Z 2; minus strand). Cytogenetic location: 17p12.
Variant type: Deletion.
Coding change: c.1245del on transcript NM_018127.7 (MANE Select); coding-DNA position 1245, one base deleted (C; older notation c.1245delC).
Protein change: p.Met416fs; shifts the reading frame from methionine 416.
Molecular consequence: frameshift variant.
Genome position (GRCh38, 1-based): chr17:13,002,333, G deleted on the plus strand (C on the coding strand, the reverse complement: ELAC2 is on the minus strand); the first of 3 consecutive G bases (chr17:13,002,333-13,002,335); deleting any one gives the same sequence. VCF-style (leftmost placement, unchanged base first): chr17-13002332-TG-T. GRCh37 (hg19) VCF-style: chr17-12905649-TG-T.
Other names: c.1125del, p.Met376fs (NM_001165962.2); c.1242del, p.Met415fs (NM_173717.2); short protein forms M415fs, M376fs, M416fs.
Identifiers: ClinVar variation 2196861 (VCV002196861.4), dbSNP rs2040857188, ClinGen allele CA981608319.

ClinVar aggregate classification (germline): Pathogenic (1 of 4 stars; one submission).

Conditions:
Combined oxidative phosphorylation defect type 17. Also called: Combined oxidative phosphorylation deficiency 17. Identifiers: Orphanet 369913, MedGen C3809526, MONDO:0014190, OMIM 615440.

Submission:

Labcorp Genetics (formerly Invitae), Labcorp
Classification: Pathogenic for Combined oxidative phosphorylation defect type 17. Last evaluated: 2023-04-10. Review status: criteria provided, single submitter. Criteria: Invitae Variant Classification Sherloc (09022015). Collection method: clinical testing. Allele origin: germline.
Comment: This variant is not present in population databases (gnomAD no frequency). This variant has not been reported in the literature in individuals affected with ELAC2-related conditions. This sequence change creates a premature translational stop signal (p.Met416Trpfs*32) in the ELAC2 gene. It is expected to result in an absent or disrupted protein product. Loss-of-function variants in ELAC2 are known to be pathogenic (PMID: 27769300, 31045291). ClinVar contains an entry for this variant (Variation ID: 2196861). For these reasons, this variant has been classified as Pathogenic.

Literature cited by the submitters: PubMed 27769300; PubMed 31045291.